The following is an entry in ClinVar:

NM_000057.4(BLM):c.3394G>A (p.Gly1132Arg)

Gene: BLM (BLM RecQ like helicase; plus strand). Cytogenetic location: 15q26.1.
Variant type: single nucleotide variant.
Coding change: c.3394G>A on transcript NM_000057.4 (MANE Select); coding-DNA position 3394, G replaced by A.
Protein change: p.Gly1132Arg; replaces glycine 1132 with arginine.
Molecular consequence: missense variant. On other transcripts: intron variant (1).
Genome position (GRCh38, 1-based): chr15:90,803,556, G>A. VCF-style: chr15-90803556-G-A. GRCh37 (hg19) VCF-style: chr15-91346786-G-A.
Other names: c.3394G>A, p.Gly1132Arg (NM_001287246.2); c.2269G>A, p.Gly757Arg (NM_001287248.2); c.3358+5219G>A (NM_001287247.2); short protein forms G1132R, G757R.
Identifiers: ClinVar variation 4622392 (VCV004622392.1).

ClinVar aggregate classification (germline): Uncertain significance (1 of 4 stars; one submission).

Conditions:
Hereditary cancer-predisposing syndrome. Also called: Neoplastic Syndromes, Hereditary; Tumor predisposition; Hereditary Cancer Syndrome; Hereditary neoplastic syndrome. Identifiers: Orphanet 140162, MedGen C0027672, MeSH D009386, MONDO:0015356.

Submission:

Ambry Genetics
Classification: Uncertain significance for Hereditary cancer-predisposing syndrome. Last evaluated: 2025-11-30. Review status: criteria provided, single submitter. Criteria: Ambry Variant Classification Scheme 2023. Collection method: clinical testing. Allele origin: germline.
Comment: The p.G1132R variant (also known as c.3394G>A), located in coding exon 17 of the BLM gene, results from a G to A substitution at nucleotide position 3394. The glycine at codon 1132 is replaced by arginine, an amino acid with dissimilar properties. This amino acid position is conserved. In addition, this alteration is predicted to be deleterious by in silico analysis. Based on the available evidence, the clinical significance of this variant remains unclear.